The following is an entry in ClinVar:

NM_198253.3(TERT):c.3240C>T (p.Leu1080=)

Gene: TERT (telomerase reverse transcriptase; minus strand). Cytogenetic location: 5p15.33.
Variant type: single nucleotide variant.
Coding change: c.3240C>T on transcript NM_198253.3 (MANE Select); coding-DNA position 3240, C replaced by T.
Protein change: p.Leu1080=; no amino-acid change (leucine 1080 retained).
Molecular consequence: synonymous variant. On other transcripts: non-coding transcript variant (2).
Genome position (GRCh38, 1-based): chr5:1,254,423, G>A on the plus strand (C>T on the coding strand, the complement: TERT is on the minus strand). VCF-style: chr5-1254423-G-A. GRCh37 (hg19) VCF-style: chr5-1254538-G-A.
Other names: c.3051C>T, p.Leu1017= (NM_001193376.3).
Identifiers: ClinVar variation 539261 (VCV000539261.20), dbSNP rs758469915, ClinGen allele CA3184246.
Genomic context (GRCh38, chr5:1,254,423, plus strand): 5'-CTTGCCTGTCCTGAGTGACCCCAGGAGTGGCACGTAGGTGACACGGTGTCGAGTCAGCTT[G>A]AGCAGGAATGCTTGGTGGCACAGCCACTGCACGGCCTCGGAGGGCAGAGGGCCGGCGGCG-3'
Protein context (NP_937983.2, residues 1070-1090): VQWLCHQAFL[Leu1080=]KLTRHRVTYV

ClinVar aggregate classification (germline): Likely benign. Review status: criteria provided, multiple submitters, no conflicts (2 of 4 stars). 3 submissions from 3 submitters: Likely benign (3). Last evaluated 2025-11-01.

Conditions:
Dyskeratosis congenita. Identifiers: Orphanet 1775, MedGen C0265965, MONDO:0015780.
Idiopathic Pulmonary Fibrosis. Also called: Idiopathic fibrosing alveolitis, chronic form; idiopathic fibrosing alveolitis. Identifiers: Orphanet 2032, MedGen C1800706, MeSH D054990, MONDO:0800504.
Dyskeratosis congenita, autosomal dominant 2. Identifiers: MedGen C3151443, MONDO:0013521, OMIM 613989.

Allele frequency attached by ClinVar (database versions not stated): ExAC 0.00001; gnomAD exomes 0.00002.

Submissions (3):

CeGaT Center for Human Genetics Tuebingen
Classification: Likely benign. Last evaluated: 2025-11-01. Review status: criteria provided, single submitter. Criteria: CeGaT Center For Human Genetics Tuebingen Variant Classification Criteria Version 2. Collection method: clinical testing. Allele origin: germline. Affected: yes. Observed: 1 variant allele.
Comment: TERT: BP4, BP7

Labcorp Genetics (formerly Invitae), Labcorp
Classification: Likely benign for Dyskeratosis congenita, autosomal dominant 2; Idiopathic Pulmonary Fibrosis. Last evaluated: 2025-09-14. Review status: criteria provided, single submitter. Criteria: Invitae Variant Classification Sherloc (09022015). Collection method: clinical testing. Allele origin: germline.

Ambry Genetics
Classification: Likely benign for Dyskeratosis congenita. Last evaluated: 2022-02-22. Review status: criteria provided, single submitter. Criteria: Ambry Variant Classification Scheme 2023. Collection method: clinical testing. Allele origin: germline.